The following is an entry in ClinVar:

ClinVar aggregate classification (germline): Likely benign (1 of 4 stars; one submission).

Allele frequency attached by ClinVar (database versions not stated): gnomAD exomes 0.00002.
gnomAD v4.1: 13 of 969,693 alleles (0.0013%); highest among the groups gnomAD compares: African/African-American, 0.002%; no homozygotes.

Submission:

GeneDx
Classification: Likely benign. Last evaluated: 2016-03-07. Review status: criteria provided, single submitter. Criteria: GeneDx Variant Classification (06012015). Collection method: clinical testing. Allele origin: germline. Affected: yes.
Comment: This variant is considered likely benign or benign based on one or more of the following criteria: it is a conservative change, it occurs at a poorly conserved position in the protein, it is predicted to be benign by multiple in silico algorithms, and/or has population frequency not consistent with disease.

NM_002641.3(PIGA):c.-91C>G

Gene: PIGA (phosphatidylinositol glycan anchor biosynthesis class A; minus strand). Cytogenetic location: Xp22.2.
Variant type: single nucleotide variant.
Coding change: c.-91C>G on transcript NM_002641.3; 91 bases upstream of the start codon, C replaced by G.
Molecular consequence: 5 prime UTR variant (on NM_020473.3). On other transcripts: non-coding transcript variant (2).
Genome position (GRCh38, 1-based): chrX:15,335,529, G>C on the plus strand (C>G on the coding strand, the complement: PIGA is on the minus strand). VCF-style: chrX-15335529-G-C. GRCh37 (hg19) VCF-style: chrX-15353651-G-C.
Other names: c.-16C>G (NM_020473.3).
Identifiers: ClinVar variation 384627 (VCV000384627.3), dbSNP rs1057522014, ClinGen allele CA16608761.